The following is an entry in ClinVar:

ClinVar aggregate classification (germline): Benign/Likely benign. Review status: criteria provided, multiple submitters, no conflicts (2 of 4 stars). 5 submissions from 5 submitters: Benign (1); Likely benign (4). Last evaluated 2024-09-05.

Conditions:
Familial cancer of breast. Also called: hereditary breast carcinoma; BREAST CANCER, FAMILIAL; Hereditary breast cancer. Identifiers: Orphanet 227535, MedGen C0346153, MONDO:0016419, OMIM 114480. Disease mechanism: loss of function.
Fanconi anemia complementation group J. Also called: BRIP1-Related Fanconi Anemia. Identifiers: Orphanet 84, MedGen C1836860, MONDO:0012187, OMIM 609054.
Hereditary cancer-predisposing syndrome. Also called: Hereditary Cancer Syndrome; Hereditary neoplastic syndrome; Neoplastic Syndromes, Hereditary; Tumor predisposition. Identifiers: Orphanet 140162, MedGen C0027672, MeSH D009386, MONDO:0015356.

Allele frequency attached by ClinVar (database versions not stated): gnomAD exomes below 0.00001; TOPMed below 0.00001.
gnomAD v4.1: 2 of 1,614,084 alleles (0.00012%); highest among the groups gnomAD compares: African/African-American, 0.0013%; no homozygotes.

Submissions (5):

Myriad Genetics, Inc.
Classification: Benign for Familial cancer of breast. Last evaluated: 2024-09-05. Review status: criteria provided, single submitter. Criteria: Myriad Autosomal Dominant, Autosomal Recessive and X-Linked Classification Criteria (2023). Collection method: clinical testing. Allele origin: unknown.
Comment: This variant is considered benign. This variant is a silent/synonymous amino acid change and it is not expected to impact splicing.

Labcorp Genetics (formerly Invitae), Labcorp
Classification: Likely benign for Familial cancer of breast; Fanconi anemia complementation group J. Last evaluated: 2024-05-29. Review status: criteria provided, single submitter. Criteria: Invitae Variant Classification Sherloc (09022015). Collection method: clinical testing. Allele origin: germline.

Ambry Genetics
Classification: Likely benign for Hereditary cancer-predisposing syndrome. Last evaluated: 2024-02-24. Review status: criteria provided, single submitter. Criteria: Ambry Variant Classification Scheme 2023. Collection method: clinical testing. Allele origin: germline.

Quest Diagnostics Nichols Institute San Juan Capistrano
Classification: Likely benign. Last evaluated: 2023-05-02. Review status: criteria provided, single submitter. Criteria: Quest Diagnostics criteria. Collection method: clinical testing. Allele origin: unknown.

Color Diagnostics, LLC DBA Color Health
Classification: Likely benign for Hereditary cancer-predisposing syndrome. Last evaluated: 2019-01-07. Review status: criteria provided, single submitter. Criteria: ACMG Guidelines, 2015. Collection method: clinical testing. Allele origin: germline.

NM_032043.3(BRIP1):c.2592A>G (p.Val864=)

Gene: BRIP1 (BRCA1 interacting DNA helicase 1; minus strand). Cytogenetic location: 17q23.2.
Variant type: single nucleotide variant.
Coding change: c.2592A>G on transcript NM_032043.3 (MANE Select); coding-DNA position 2592, A replaced by G.
Protein change: p.Val864=; no amino-acid change (valine 864 retained).
Molecular consequence: synonymous variant.
Genome position (GRCh38, 1-based): chr17:61,686,149, T>C on the plus strand (A>G on the coding strand, the complement: BRIP1 is on the minus strand). VCF-style: chr17-61686149-T-C. GRCh37 (hg19) VCF-style: chr17-59763510-T-C.
Identifiers: ClinVar variation 918520 (VCV000918520.10), dbSNP rs2061361778, ClinGen allele CA501143920.